The following is an entry in ClinVar:

ClinVar aggregate classification (germline): Uncertain significance. Review status: criteria provided, multiple submitters, no conflicts (2 of 4 stars). 2 submissions from 2 submitters: Uncertain significance (2). Last evaluated 2024-04-28.

Conditions:
Congenital myopathy 22A, classic (CMYO22A). Identifiers: MedGen C5830453, MONDO:0957247, OMIM 620351.
Hypokalemic periodic paralysis, type 2 (HOKPP2). Identifiers: Orphanet 681, MedGen C2750061, MONDO:0013234, OMIM 613345.
Hyperkalemic periodic paralysis. Also called: Gamstorp disease; Familial hyperkalemic periodic paralysis. Identifiers: Orphanet 682, MedGen C0238357, MONDO:0008224, OMIM 170500, HP:0007215.
Congenital myopathy 22B, severe fetal (CMYO22B). Identifiers: MedGen C5830501, MONDO:0957265, OMIM 620369.
Congenital myasthenic syndrome 16. Identifiers: Orphanet 590, MedGen C3280112, MONDO:0013620, OMIM 614198.
Potassium-aggravated myotonia. Also called: MYOTONIA CONGENITA, ACETAZOLAMIDE-RESPONSIVE; MYOTONIA CONGENITA, ATYPICAL; SODIUM CHANNEL MUSCLE DISEASE; Myotonia congenita, atypical, acetazolamide-responsive. Identifiers: Orphanet 612, Orphanet 99734, Orphanet 99735, Orphanet 99736, MedGen C2931826, MONDO:0018959, OMIM 608390.
Paramyotonia congenita of Von Eulenburg. Also called: PARALYSIS PERIODICA PARAMYOTONICA; Eulenburg disease; Myotonia congenita intermittens; Von Eulenburg paramyotonia congenita; Paramyotonia Congenita. Identifiers: Orphanet 684, MedGen C0221055, MONDO:0008195, OMIM 168300. Disease mechanism: loss of function.

gnomAD v4.1: 3 of 1,613,898 alleles (0.00019%); highest among the groups gnomAD compares: Non-Finnish European, 0.00025%; no homozygotes.

Submissions (2):

Fulgent Genetics
Classification: Uncertain significance for Paramyotonia congenita of Von Eulenburg; Hyperkalemic periodic paralysis; Potassium-aggravated myotonia; Hypokalemic periodic paralysis, type 2; Congenital myasthenic syndrome 16; Congenital myopathy 22A, classic; Congenital myopathy 22B, severe fetal. Last evaluated: 2024-04-28. Review status: criteria provided, single submitter. Criteria: ACMG Guidelines, 2015. Collection method: clinical testing. Allele origin: germline.

Labcorp Genetics (formerly Invitae), Labcorp
Classification: Uncertain significance for Hyperkalemic periodic paralysis. Last evaluated: 2024-03-01. Review status: criteria provided, single submitter. Criteria: Invitae Variant Classification Sherloc (09022015). Collection method: clinical testing. Allele origin: germline.
Comment: This sequence change replaces tryptophan, which is neutral and slightly polar, with serine, which is neutral and polar, at codon 1032 of the SCN4A protein (p.Trp1032Ser). This variant is present in population databases (no rsID available, gnomAD 0.0009%). This variant has not been reported in the literature in individuals affected with SCN4A-related conditions. Advanced modeling of protein sequence and biophysical properties (such as structural, functional, and spatial information, amino acid conservation, physicochemical variation, residue mobility, and thermodynamic stability) has been performed at Invitae for this missense variant, however the output from this modeling did not meet the statistical confidence thresholds required to predict the impact of this variant on SCN4A protein function. In summary, the available evidence is currently insufficient to determine the role of this variant in disease. Therefore, it has been classified as a Variant of Uncertain Significance.

NM_000334.4(SCN4A):c.3095G>C (p.Trp1032Ser)

Genes: GH-LCR (growth hormone locus control region; plus strand), SCN4A (sodium voltage-gated channel alpha subunit 4; minus strand). Cytogenetic location: 17q23.3.
Variant type: single nucleotide variant.
Coding change: c.3095G>C on transcript NM_000334.4 (MANE Select); coding-DNA position 3095, G replaced by C.
Protein change: p.Trp1032Ser; replaces tryptophan 1032 with serine.
Molecular consequence: missense variant.
Genome position (GRCh38, 1-based): chr17:63,948,660, C>G on the plus strand (G>C on the coding strand, the complement: SCN4A is on the minus strand). VCF-style: chr17-63948660-C-G. GRCh37 (hg19) VCF-style: chr17-62026020-C-G.
Other names: short protein forms W1032S.
Identifiers: ClinVar variation 3582674 (VCV003582674.3).